The following is an entry in ClinVar:

ClinVar aggregate classification (germline): Pathogenic (1 of 4 stars; one submission).

Submission:

GeneDx
Classification: Pathogenic. Last evaluated: 2018-02-22. Review status: criteria provided, single submitter. Criteria: GeneDx Variant Classification (06012015). Collection method: clinical testing. Allele origin: germline. Affected: yes.
Comment: The c.858_862delACAAA pathogenic variant in the SYNJ1 gene has not been reported previously as a pathogenic variant nor as a benign variant, to our knowledge. The c.858_862delACAAA variant causes a frameshift starting with codon Glutamine 287, changes this amino acid to a Proline residue, and creates a premature Stop codon at position 27 of the new reading frame, denoted p.Gln287ProfsX27. This variant is predicted to cause loss of normal protein function either through protein truncation or nonsense-mediated mRNA decay. The c.858_862delACAAA variant was not observed in approximately 6,500 individuals of European and African American ancestry in the NHLBI Exome Sequencing Project, indicating it is not a common benign variant in these populations. We interpret c.858_862delACAAA as a pathogenic variant.

NM_203446.3(SYNJ1):c.741_745del (p.Gln248fs)

Gene: SYNJ1 (synaptojanin 1; minus strand). Cytogenetic location: 21q22.11.
Variant type: Deletion.
Coding change: c.741_745del on transcript NM_203446.3 (MANE Select); coding-DNA positions 741 to 745, 5 bases deleted (ACAAA; older notation c.741_745delACAAA).
Protein change: p.Gln248fs; shifts the reading frame from glutamine 248.
Molecular consequence: frameshift variant.
Genome position (GRCh38, 1-based): chr21:32,694,272-32,694,276, TTTGT deleted on the plus strand (ACAAA on the coding strand, the reverse complement: SYNJ1 is on the minus strand). VCF-style (leftmost placement, unchanged base first): chr21-32694271-ATTTGT-A. GRCh37 (hg19) VCF-style: chr21-34066581-ATTTGT-A.
Other names: c.741_745delACAAA, p.Gln248Profs (NM_001160302.2); c.741_745del, p.Gln248fs (NM_001160306.2); c.858_862delACAAA, p.Gln287Profs (NM_003895.4); c.858_862delACAAA (NM_003895.3); short protein forms Q248fs, Q287fs.
Identifiers: ClinVar variation 265687 (VCV000265687.2), dbSNP rs886039732, ClinGen allele CA10588707.